The following is an entry in ClinVar:

NC_012920.1(MT-ND2):m.5263C>T

Gene: MT-ND2 (mitochondrially encoded NADH dehydrogenase 2; plus strand).
Variant type: single nucleotide variant.
Genome position: chrM-5263-C-T.
Identifiers: ClinVar variation 692560 (VCV000692560.1), dbSNP rs41320049, ClinGen allele CA337097091.

ClinVar aggregate classification (germline): Benign (1 of 4 stars; one submission).

Conditions:
Leigh syndrome (NULS). Also called: Leigh's necrotizing encephalopathy; Leigh's disease; Leigh Syndrome (mtDNA deletion); Leigh Disease; Subacute necrotizing encephalopathy; Necrotizing encephalopathy infantile subacute of Leigh. Identifiers: Orphanet 506, MedGen C2931891, MONDO:0009723, OMIM 256000.

Submission:

Wong Mito Lab, Molecular and Human Genetics, Baylor College of Medicine
Classification: Benign for Leigh syndrome. Last evaluated: 2019-10-17. Review status: criteria provided, single submitter. Criteria: Modified ACMG Guidelines (Unpublished). Collection method: clinical testing. Allele origin: germline.
Comment: The NC_012920.1:m.5263C>T (YP_003024027.1:p.Ala265Val) variant in MTND2 gene is interpretated to be a Benign variant based on the modified ACMG guidelines (unpublished). This variant meets the following evidence codes: BA1